The following is an entry in ClinVar:

NM_133259.4(LRPPRC):c.283C>T (p.Arg95Ter)

Gene: LRPPRC (leucine rich pentatricopeptide repeat containing; minus strand). Cytogenetic location: 2p21.
Variant type: single nucleotide variant.
Coding change: c.283C>T on transcript NM_133259.4 (MANE Select); coding-DNA position 283, C replaced by T.
Protein change: p.Arg95Ter; replaces arginine 95 with a stop codon.
Molecular consequence: nonsense.
Genome position (GRCh38, 1-based): chr2:43,982,301, G>A on the plus strand (C>T on the coding strand, the complement: LRPPRC is on the minus strand). VCF-style: chr2-43982301-G-A. GRCh37 (hg19) VCF-style: chr2-44209440-G-A.
Other names: short protein forms R95*.
Identifiers: ClinVar variation 843177 (VCV000843177.9), dbSNP rs760186575, ClinGen allele CA1639420.
Genomic context (GRCh38, chr2:43,982,301, plus strand): 5'-AGCGGCAGGTATCATTAAAAACTTTTTGTAGAAGCTTCTTTGGAATGCGGCCAGTTCTTC[G>A]AACAGAAAGATCTAGTCTCATTAGAGCCCAATCAAACTGATTGGAAATCTTCCTAGAAGA-3'

ClinVar aggregate classification (germline): Pathogenic/Likely pathogenic. Review status: criteria provided, multiple submitters, no conflicts (2 of 4 stars). 2 submissions from 2 submitters: Pathogenic (1); Likely pathogenic (1). Last evaluated 2024-03-08.

Conditions:
Congenital lactic acidosis, Saguenay-Lac-Saint-Jean type (MC4DN5). Also called: CYTOCHROME c OXIDASE DEFICIENCY, FRENCH CANADIAN TYPE; COX DEFICIENCY, FRENCH CANADIAN TYPE; MITOCHONDRIAL COMPLEX IV DEFICIENCY, NUCLEAR TYPE 5. Identifiers: Orphanet 70472, MedGen C1857355, MONDO:0009069, OMIM 220111.

Allele frequency attached by ClinVar (database versions not stated): TOPMed below 0.00001; ExAC 0.00002.
gnomAD v4.1: 11 of 1,589,572 alleles (0.00069%); highest among the groups gnomAD compares: South Asian, 0.0058%; no homozygotes.

Submissions (2):

Baylor Genetics
Classification: Likely pathogenic for Congenital lactic acidosis, Saguenay-Lac-Saint-Jean type. Last evaluated: 2024-03-08. Review status: criteria provided, single submitter. Criteria: ACMG Guidelines, 2015. Collection method: clinical testing. Allele origin: unknown.

Labcorp Genetics (formerly Invitae), Labcorp
Classification: Pathogenic. Last evaluated: 2023-11-17. Review status: criteria provided, single submitter. Criteria: Invitae Variant Classification Sherloc (09022015). Collection method: clinical testing. Allele origin: germline.
Comment: This sequence change creates a premature translational stop signal (p.Arg95*) in the LRPPRC gene. It is expected to result in an absent or disrupted protein product. Loss-of-function variants in LRPPRC are known to be pathogenic (PMID: 26510951). This variant is present in population databases (rs760186575, gnomAD 0.007%). This variant has not been reported in the literature in individuals affected with LRPPRC-related conditions. ClinVar contains an entry for this variant (Variation ID: 843177). For these reasons, this variant has been classified as Pathogenic.

Literature cited by the submitters: PubMed 26510951 (cited by Labcorp Genetics (formerly Invitae), Labcorp).